The following is an entry in ClinVar:

ClinVar aggregate classification (germline): Conflicting classifications of pathogenicity. Review status: criteria provided, conflicting classifications (1 of 4 stars). 2 submissions from 2 submitters: Uncertain significance (1); Likely benign (1). Last evaluated 2025-03-07.

Conditions:
Cardiovascular phenotype. Identifiers: MedGen CN230736.
Anterior segment dysgenesis. Also called: Ocular anterior segment dysgenesis. Identifiers: Orphanet 88632, MedGen C1862839, MONDO:0019503, HP:0007700.
Congenital primary aphakia. Also called: ANTERIOR SEGMENT DYSGENESIS 2; Anterior segment dysgenesis 2, multiple subtypes. Identifiers: Orphanet 83461, MedGen C1853230, MONDO:0012456, OMIM 610256.

Allele frequency attached by ClinVar (database versions not stated): gnomAD 0.00001; TOPMed 0.00001.

Submissions (2):

Labcorp Genetics (formerly Invitae), Labcorp
Classification: Uncertain significance for Anterior segment dysgenesis; Congenital primary aphakia. Last evaluated: 2025-03-07. Review status: criteria provided, single submitter. Criteria: Invitae Variant Classification Sherloc (09022015). Collection method: clinical testing. Allele origin: germline.
Comment: This sequence change affects codon 258 of the FOXE3 mRNA. It is a 'silent' change, meaning that it does not change the encoded amino acid sequence of the FOXE3 protein. This variant is not present in population databases (gnomAD no frequency). This variant has not been reported in the literature in individuals affected with FOXE3-related conditions. ClinVar contains an entry for this variant (Variation ID: 1760441). In summary, the available evidence is currently insufficient to determine the role of this variant in disease. Therefore, it has been classified as a Variant of Uncertain Significance.

Ambry Genetics
Classification: Likely benign for Cardiovascular phenotype. Last evaluated: 2022-03-23. Review status: criteria provided, single submitter. Criteria: Ambry Variant Classification Scheme 2023. Collection method: clinical testing. Allele origin: germline.

NM_012186.3(FOXE3):c.774C>G (p.Ser258=)

Genes: FOXE3 (forkhead box E3; plus strand), LINC01389 (long independently transcribed non-coding RNA 1389; minus strand). Cytogenetic location: 1p33.
Variant type: single nucleotide variant.
Coding change: c.774C>G on transcript NM_012186.3 (MANE Select); coding-DNA position 774, C replaced by G.
Protein change: p.Ser258=; no amino-acid change (serine 258 retained).
Molecular consequence: synonymous variant.
Genome position (GRCh38, 1-based): chr1:47,417,089, C>G. VCF-style: chr1-47417089-C-G. GRCh37 (hg19) VCF-style: chr1-47882761-C-G.
Identifiers: ClinVar variation 1760441 (VCV001760441.3), dbSNP rs12724260, ClinGen allele CA340250694.